The following is an entry in ClinVar:

ClinVar aggregate classification (germline): Uncertain significance (1 of 4 stars; one submission).

Conditions:
Immunodeficiency due to CD25 deficiency. Also called: CD25 DEFICIENCY; IMMUNODEFICIENCY 41 WITH LYMPHOPROLIFERATION AND AUTOIMMUNITY; IL2RA DEFICIENCY. Identifiers: Orphanet 169100, MedGen C1853392, MONDO:0011664, OMIM 606367.

Allele frequency attached by ClinVar (database versions not stated): gnomAD exomes below 0.00001; TOPMed 0.00001; ExAC 0.00003; ESP Exome Variant Server 0.00008.
gnomAD v4.1: 5 of 1,613,636 alleles (0.00031%); highest among the groups gnomAD compares: Non-Finnish European, 0.00042%; no homozygotes.

Submission:

Labcorp Genetics (formerly Invitae), Labcorp
Classification: Uncertain significance for Immunodeficiency due to CD25 deficiency. Last evaluated: 2021-12-19. Review status: criteria provided, single submitter. Criteria: Invitae Variant Classification Sherloc (09022015). Collection method: clinical testing. Allele origin: germline.
Comment: This sequence change replaces phenylalanine, which is neutral and non-polar, with leucine, which is neutral and non-polar, at codon 193 of the IL2RA protein (p.Phe193Leu). This variant is present in population databases (rs376008631, gnomAD 0.003%). This variant has not been reported in the literature in individuals affected with IL2RA-related conditions. Algorithms developed to predict the effect of missense changes on protein structure and function output the following: SIFT: "Deleterious"; PolyPhen-2: "Benign"; Align-GVGD: "Class C15". The leucine amino acid residue is found in multiple mammalian species, which suggests that this missense change does not adversely affect protein function. In summary, the available evidence is currently insufficient to determine the role of this variant in disease. Therefore, it has been classified as a Variant of Uncertain Significance.

NM_000417.3(IL2RA):c.579T>A (p.Phe193Leu)

Gene: IL2RA (interleukin 2 receptor subunit alpha; minus strand). Cytogenetic location: 10p15.1.
Variant type: single nucleotide variant.
Coding change: c.579T>A on transcript NM_000417.3 (MANE Select); coding-DNA position 579, T replaced by A.
Protein change: p.Phe193Leu; replaces phenylalanine 193 with leucine.
Molecular consequence: missense variant. On other transcripts: intron variant (2).
Genome position (GRCh38, 1-based): chr10:6,021,482, A>T on the plus strand (T>A on the coding strand, the complement: IL2RA is on the minus strand). VCF-style: chr10-6021482-A-T. GRCh37 (hg19) VCF-style: chr10-6063445-A-T.
Other names: c.368-1983T>A (NM_001308243.2); c.368-1541T>A (NM_001308242.2); short protein forms F193L.
Identifiers: ClinVar variation 1952669 (VCV001952669.2), dbSNP rs376008631, ClinGen allele CA5397415.